The following is an entry in ClinVar:

NM_001252024.2(TRPM1):c.2700+2T>G

Genes: TRPM1-AS1 (TRPM1 antisense RNA 1; plus strand), TRPM1 (transient receptor potential cation channel subfamily M member 1; minus strand). Cytogenetic location: 15q13.3.
Variant type: single nucleotide variant.
Coding change: c.2700+2T>G on transcript NM_001252024.2 (MANE Select); the canonical splice donor site of the intron after coding-DNA position 2700, T replaced by G.
Molecular consequence: splice donor variant.
Genome position (GRCh38, 1-based): chr15:31,035,544, A>C on the plus strand (T>G on the coding strand, the complement: TRPM1 is on the minus strand). VCF-style: chr15-31035544-A-C. GRCh37 (hg19) VCF-style: chr15-31327747-A-C.
Other names: c.2751+2T>G (NM_001252020.2); c.2634+2T>G (NM_002420.6).
Identifiers: ClinVar variation 1067286 (VCV001067286.9), dbSNP rs2140918716, ClinGen allele CA391546631.
Genomic context (GRCh38, chr15:31,035,544, plus strand): 5'-GAGCCATATCTGCATTTGCAGTCAGCGGTTAGTGGGCTGGGGGAGGCCTTTGGAGTAGCC[A>C]CCTCTCGTATCTTCTCTAACGCCAGGCTCACGATGTAGGAGATGACGATCCACTCCTGGA-3'

ClinVar aggregate classification (germline): Pathogenic (1 of 4 stars; one submission).

Allele frequency attached by ClinVar (database versions not stated): gnomAD exomes below 0.00001.

Submission:

Labcorp Genetics (formerly Invitae), Labcorp
Classification: Pathogenic. Last evaluated: 2021-03-15. Review status: criteria provided, single submitter. Criteria: Invitae Variant Classification Sherloc (09022015). Collection method: clinical testing. Allele origin: germline.
Comment: Algorithms developed to predict the effect of sequence changes on RNA splicing suggest that this variant may disrupt the consensus splice site, but this prediction has not been confirmed by published transcriptional studies. This variant has been observed in individual(s) with clinical features of congenital stationary night blindness (Invitae). In at least one individual the data is consistent with the variant being in trans (on the opposite chromosome) from a pathogenic variant. This variant is also known as NM_001252020.1:c.2751+2T>G. This variant is not present in population databases (ExAC no frequency). This sequence change affects a donor splice site in intron 20 of the TRPM1 gene. It is expected to disrupt RNA splicing. Variants that disrupt the donor or acceptor splice site typically lead to a loss of protein function (PMID: 16199547), and loss-of-function variants in TRPM1 are known to be pathogenic (PMID: 19896113, 19966281, 20300565). For these reasons, this variant has been classified as Pathogenic.

Literature cited by the submitters: PubMed 16199547; PubMed 19896113; PubMed 19966281; PubMed 20300565.